The following is an entry in ClinVar:

NM_007325.5(GRIA3):c.609G>T (p.Arg203Ser)

Gene: GRIA3 (glutamate ionotropic receptor AMPA type subunit 3; plus strand). Cytogenetic location: Xq25.
Variant type: single nucleotide variant.
Coding change: c.609G>T on transcript NM_007325.5 (MANE Select); coding-DNA position 609, G replaced by T.
Protein change: p.Arg203Ser; replaces arginine 203 with serine.
Molecular consequence: missense variant.
Genome position (GRCh38, 1-based): chrX:123,326,126, G>T. VCF-style: chrX-123326126-G-T. GRCh37 (hg19) VCF-style: chrX-122459977-G-T.
Other names: c.609G>T, p.Arg203Ser (NM_000828.5); short protein forms R203S.
Identifiers: ClinVar variation 1339810 (VCV001339810.8), dbSNP rs147567539, ClinGen allele CA10506918.
Genomic context (GRCh38, chrX:123,326,126, plus strand): 5'-AAACAACTGGCAAGTAACAGCAAGGTCTGTGGGAAACATAAAGGACGTCCAAGAATTCAG[G>T]CGCATCATTGAAGAAATGGACAGGAGGCAGGAAAAGCGATACTTGATTGACTGCGAAGTC-3'
Protein context (NP_015564.5, residues 193-213): VGNIKDVQEF[Arg203Ser]RIIEEMDRRQ

ClinVar aggregate classification (germline): Uncertain significance (1 of 4 stars; one submission).

Conditions:
Syndromic X-linked intellectual disability 94 (MRXSW). Also called: MENTAL RETARDATION, X-LINKED, SYNDROMIC 29; X-linked intellectual disability due to GRIA3 anomalies. Identifiers: Orphanet 364028, MedGen C2678051, MONDO:0010402, OMIM 300699.

Allele frequency attached by ClinVar (database versions not stated): gnomAD exomes 0.00001 and 0.00002; ExAC 0.00002; ESP Exome Variant Server 0.00019.
gnomAD v4.1: 10 of 1,207,256 alleles (0.00083%); highest among the groups gnomAD compares: Non-Finnish European, 0.0011%; no homozygotes.

Submission:

Labcorp Genetics (formerly Invitae), Labcorp
Classification: Uncertain significance. Last evaluated: 2024-09-03. Review status: criteria provided, single submitter. Criteria: Invitae Variant Classification Sherloc (09022015). Collection method: clinical testing. Allele origin: germline.
Comment: This sequence change replaces arginine, which is basic and polar, with serine, which is neutral and polar, at codon 203 of the GRIA3 protein (p.Arg203Ser). This variant is present in population databases (rs147567539, gnomAD 0.004%). This variant has not been reported in the literature in individuals affected with GRIA3-related conditions. ClinVar contains an entry for this variant (Variation ID: 1339810). Invitae Evidence Modeling of protein sequence and biophysical properties (such as structural, functional, and spatial information, amino acid conservation, physicochemical variation, residue mobility, and thermodynamic stability) indicates that this missense variant is not expected to disrupt GRIA3 protein function with a negative predictive value of 80%. In summary, the available evidence is currently insufficient to determine the role of this variant in disease. Therefore, it has been classified as a Variant of Uncertain Significance.